The following is an entry in ClinVar:

NM_014141.6(CNTNAP2):c.3083A>G (p.Asp1028Gly)

Gene: CNTNAP2 (contactin associated protein 2; plus strand). Cytogenetic location: 7q36.1.
Variant type: single nucleotide variant.
Coding change: c.3083A>G on transcript NM_014141.6 (MANE Select); coding-DNA position 3083, A replaced by G.
Protein change: p.Asp1028Gly; replaces aspartic acid 1028 with glycine.
Molecular consequence: missense variant.
Genome position (GRCh38, 1-based): chr7:148,217,360, A>G. VCF-style: chr7-148217360-A-G. GRCh37 (hg19) VCF-style: chr7-147914452-A-G.
Other names: short protein forms D1028G.
Identifiers: ClinVar variation 952655 (VCV000952655.8), dbSNP rs1338782482, ClinGen allele CA369929202.

ClinVar aggregate classification (germline): Uncertain significance. Review status: criteria provided, multiple submitters, no conflicts (2 of 4 stars). 2 submissions from 2 submitters: Uncertain significance (2). Last evaluated 2025-05-28.

Conditions:
Inborn genetic diseases. Identifiers: MedGen C0950123, MeSH D030342.
Cortical dysplasia-focal epilepsy syndrome (PTHSL1). Also called: Pitt-Hopkins-like syndrome 1. Identifiers: Orphanet 163681, Orphanet 221150, MedGen C2750246, MONDO:0012400, OMIM 610042.

Allele frequency attached by ClinVar (database versions not stated): gnomAD exomes below 0.00001; TOPMed below 0.00001.
gnomAD v4.1: 1 of 1,613,540 alleles (0.000062%); highest among the groups gnomAD compares: Admixed American, 0.0017%; no homozygotes.

Submissions (2):

Ambry Genetics
Classification: Uncertain significance for Inborn genetic diseases. Last evaluated: 2025-05-28. Review status: criteria provided, single submitter. Criteria: Ambry Variant Classification Scheme 2023. Collection method: clinical testing. Allele origin: germline.

Labcorp Genetics (formerly Invitae), Labcorp
Classification: Uncertain significance for Cortical dysplasia-focal epilepsy syndrome. Last evaluated: 2022-08-09. Review status: criteria provided, single submitter. Criteria: Invitae Variant Classification Sherloc (09022015). Collection method: clinical testing. Allele origin: germline.
Comment: This sequence change replaces aspartic acid, which is acidic and polar, with glycine, which is neutral and non-polar, at codon 1028 of the CNTNAP2 protein (p.Asp1028Gly). This variant is present in population databases (no rsID available, gnomAD 0.003%). This variant has not been reported in the literature in individuals affected with CNTNAP2-related conditions. ClinVar contains an entry for this variant (Variation ID: 952655). Algorithms developed to predict the effect of missense changes on protein structure and function (SIFT, PolyPhen-2, Align-GVGD) all suggest that this variant is likely to be tolerated. In summary, the available evidence is currently insufficient to determine the role of this variant in disease. Therefore, it has been classified as a Variant of Uncertain Significance.